The following is an entry in ClinVar:

ClinVar aggregate classification (germline): Uncertain significance. Review status: criteria provided, multiple submitters, no conflicts (2 of 4 stars). 3 submissions from 2 submitters: Uncertain significance (3). Last evaluated 2022-03-17.

Conditions:
Autosomal recessive limb-girdle muscular dystrophy type 2O. Also called: Limb-Girdle Muscular Dystrophy Type 3C; MUSCULAR DYSTROPHY-DYSTROGLYCANOPATHY (LIMB-GIRDLE), TYPE C, 3; MUSCULAR DYSTROPHY-DYSTROGLYCANOPATHY, LIMB-GIRDLE, POMGNT1-RELATED. Identifiers: Orphanet 206564, MedGen C3150417, MONDO:0013161, OMIM 613157.
Muscular dystrophy-dystroglycanopathy (congenital with impaired intellectual development), type B, 3. Also called: MUSCULAR DYSTROPHY, CONGENITAL, POMGNT1-RELATED; Muscular dystrophy-dystroglycanopathy (congenital with intellectual disability), type B3. Identifiers: MedGen C3150412, MONDO:0013155, OMIM 613151.
Congenital Muscular Dystrophy, alpha-dystroglycan related.

Allele frequency attached by ClinVar (database versions not stated): gnomAD 0.00001; gnomAD exomes 0.00001.
gnomAD v4.1: 27 of 1,614,076 alleles (0.0017%); highest among the groups gnomAD compares: South Asian, 0.0022%; no homozygotes.

Submissions (3):

Labcorp Genetics (formerly Invitae), Labcorp
Classification: Uncertain significance for Autosomal recessive limb-girdle muscular dystrophy type 2O; Muscular dystrophy-dystroglycanopathy (congenital with impaired intellectual development), type B, 3. Last evaluated: 2022-03-17. Review status: criteria provided, single submitter. Criteria: Invitae Variant Classification Sherloc (09022015). Collection method: clinical testing. Allele origin: germline.
Comment: This sequence change replaces glutamic acid, which is acidic and polar, with lysine, which is basic and polar, at codon 288 of the POMGNT1 protein (p.Glu288Lys). This variant is present in population databases (no rsID available, gnomAD 0.003%). This variant has not been reported in the literature in individuals affected with POMGNT1-related conditions. ClinVar contains an entry for this variant (Variation ID: 873729). Advanced modeling of protein sequence and biophysical properties (such as structural, functional, and spatial information, amino acid conservation, physicochemical variation, residue mobility, and thermodynamic stability) performed at Invitae indicates that this missense variant is not expected to disrupt POMGNT1 protein function. In summary, the available evidence is currently insufficient to determine the role of this variant in disease. Therefore, it has been classified as a Variant of Uncertain Significance.

Illumina Laboratory Services, Illumina
Classification: Uncertain significance for Congenital Muscular Dystrophy, alpha-dystroglycan related. Last evaluated: 2018-01-13. Review status: criteria provided, single submitter. Criteria: ICSL Variant Classification Criteria 13 December 2019. Collection method: clinical testing. Allele origin: germline.

Illumina Laboratory Services, Illumina
Classification: Uncertain significance for Autosomal recessive limb-girdle muscular dystrophy type 2O. Last evaluated: 2018-01-13. Review status: criteria provided, single submitter. Criteria: ICSL Variant Classification Criteria 13 December 2019. Collection method: clinical testing. Allele origin: germline.

NM_017739.4(POMGNT1):c.862G>A (p.Glu288Lys)

Genes: POMGNT1 (protein O-linked mannose N-acetylglucosaminyltransferase 1 (beta 1,2-); minus strand), TSPAN1 (tetraspanin 1; plus strand). Cytogenetic location: 1p34.1.
Variant type: single nucleotide variant.
Coding change: c.862G>A on transcript NM_017739.4 (MANE Select); coding-DNA position 862, G replaced by A.
Protein change: p.Glu288Lys; replaces glutamic acid 288 with lysine.
Molecular consequence: missense variant.
Genome position (GRCh38, 1-based): chr1:46,194,291, C>T on the plus strand (G>A on the coding strand, the complement: POMGNT1 is on the minus strand). VCF-style: chr1-46194291-C-T. GRCh37 (hg19) VCF-style: chr1-46659963-C-T.
Other names: c.862G>A, p.Glu288Lys (NM_001243766.2, NM_001410783.1); c.796G>A, p.Glu266Lys (NM_001290129.3); c.433G>A, p.Glu145Lys (NM_001290130.2); short protein forms E145K, E266K, E288K.
Identifiers: ClinVar variation 873729 (VCV000873729.9), dbSNP rs1476814352, ClinGen allele CA340182579.
Genomic context (GRCh38, chr1:46,194,291, plus strand): 5'-CTGGGAAGGAGTCCAAACCTCACTGTCTTAAGGCCCCACTCACTGGGTCAGGGCTGAACT[C>T]GATGGGTGTGGGGTCCTTGCAGCTGCATACACTTCCATAGCCCTCAACTTTGCTGCAGAA-3'
Protein context (NP_060209.4, residues 278-298): VCSCKDPTPI[Glu288Lys]FSPDPLPDNK